The following is an entry in ClinVar:

NM_020461.4(TUBGCP6):c.1355C>T (p.Pro452Leu)

Gene: TUBGCP6 (tubulin gamma complex component 6; minus strand). Cytogenetic location: 22q13.33.
Variant type: single nucleotide variant.
Coding change: c.1355C>T on transcript NM_020461.4 (MANE Select); coding-DNA position 1355, C replaced by T.
Protein change: p.Pro452Leu; replaces proline 452 with leucine.
Molecular consequence: missense variant.
Genome position (GRCh38, 1-based): chr22:50,227,964, G>A on the plus strand (C>T on the coding strand, the complement: TUBGCP6 is on the minus strand). VCF-style: chr22-50227964-G-A. GRCh37 (hg19) VCF-style: chr22-50666393-G-A.
Other names: short protein forms P452L.
Identifiers: ClinVar variation 1035070 (VCV001035070.6), dbSNP rs151117456, ClinGen allele CA10308729.

ClinVar aggregate classification (germline): Uncertain significance (1 of 4 stars; one submission).

Allele frequency attached by ClinVar (database versions not stated): gnomAD 0.00002 and 0.00003; gnomAD exomes 0.00003 and 0.00007; TOPMed 0.00003; ExAC 0.00004; ESP Exome Variant Server 0.00008.
gnomAD v4.1: 95 of 1,571,942 alleles (0.006%); highest among the groups gnomAD compares: Non-Finnish European, 0.0079%; no homozygotes.

Submission:

Labcorp Genetics (formerly Invitae), Labcorp
Classification: Uncertain significance. Last evaluated: 2021-08-31. Review status: criteria provided, single submitter. Criteria: Invitae Variant Classification Sherloc (09022015). Collection method: clinical testing. Allele origin: germline.
Comment: This sequence change replaces proline with leucine at codon 452 of the TUBGCP6 protein (p.Pro452Leu). The proline residue is moderately conserved and there is a moderate physicochemical difference between proline and leucine. This variant is present in population databases (rs151117456, ExAC 0.008%). This variant has not been reported in the literature in individuals affected with TUBGCP6-related conditions. Algorithms developed to predict the effect of missense changes on protein structure and function are either unavailable or do not agree on the potential impact of this missense change (SIFT: "Deleterious"; PolyPhen-2: "Possibly Damaging"; Align-GVGD: "Class C0"). In summary, the available evidence is currently insufficient to determine the role of this variant in disease. Therefore, it has been classified as a Variant of Uncertain Significance.